The following is an entry in ClinVar:

NM_001283009.2(RTEL1):c.703C>T (p.Arg235Cys)

Genes: RTEL1 (regulator of telomere elongation helicase 1; plus strand), RTEL1-TNFRSF6B (RTEL1-TNFRSF6B readthrough (NMD candidate); plus strand). Cytogenetic location: 20q13.33.
Variant type: single nucleotide variant.
Coding change: c.703C>T on transcript NM_001283009.2 (MANE Select); coding-DNA position 703, C replaced by T.
Protein change: p.Arg235Cys; replaces arginine 235 with cysteine.
Molecular consequence: missense variant. On other transcripts: non-coding transcript variant (1).
Genome position (GRCh38, 1-based): chr20:63,672,559, C>T. VCF-style: chr20-63672559-C-T. GRCh37 (hg19) VCF-style: chr20-62303912-C-T.
Other names: c.34C>T, p.Arg12Cys (NM_001283010.1); c.703C>T, p.Arg235Cys (NM_016434.4); c.775C>T, p.Arg259Cys (NM_032957.5); short protein forms R259C, R12C, R235C.
Identifiers: ClinVar variation 972517 (VCV000972517.5), dbSNP rs866782181, ClinGen allele CA409671911.

ClinVar aggregate classification (germline): Uncertain significance. Review status: criteria provided, multiple submitters, no conflicts (2 of 4 stars). 3 submissions from 3 submitters: Uncertain significance (2). 1 of the submissions does not count toward it. Last evaluated 2024-12-04.

Conditions:
Inborn genetic diseases. Identifiers: MedGen C0950123, MeSH D030342.
Dyskeratosis congenita, autosomal recessive 5 (DKCB5). Identifiers: MedGen C3554656, MONDO:0014076, OMIM 615190.
Pulmonary fibrosis and/or bone marrow failure, Telomere-related, 3. Also called: PULMONARY FIBROSIS AND/OR BONE MARROW FAILURE SYNDROME, TELOMERE-RELATED, 3. Identifiers: Orphanet 2032, MedGen C4225346, MONDO:0014613, OMIM 616373.
Dyskeratosis congenita. Identifiers: Orphanet 1775, MedGen C0265965, MONDO:0015780.

Allele frequency attached by ClinVar (database versions not stated): gnomAD 0.00001; TOPMed 0.00001.
gnomAD v4.1: 8 of 1,578,692 alleles (0.00051%); highest among the groups gnomAD compares: African/African-American, 0.0013%; no homozygotes.

Submissions (3):

Ambry Genetics
Classification: Uncertain significance for Inborn genetic diseases. Last evaluated: 2024-12-04. Review status: criteria provided, single submitter. Criteria: Ambry Variant Classification Scheme 2023. Collection method: clinical testing. Allele origin: germline.
Comment: The p.R235C variant (also known as c.703C>T), located in coding exon 8 of the RTEL1 gene, results from a C to T substitution at nucleotide position 703. The arginine at codon 235 is replaced by cysteine, an amino acid with highly dissimilar properties. This amino acid position is conserved. In addition, the in silico prediction for this alteration is inconclusive. Based on the available evidence, the clinical significance of this variant remains unclear.

Labcorp Genetics (formerly Invitae), Labcorp
Classification: Uncertain significance for Dyskeratosis congenita, autosomal recessive 5; Pulmonary fibrosis and/or bone marrow failure, Telomere-related, 3. Last evaluated: 2021-08-31. Review status: criteria provided, single submitter. Criteria: Invitae Variant Classification Sherloc (09022015). Collection method: clinical testing. Allele origin: germline.
Comment: This sequence change replaces arginine with cysteine at codon 235 of the RTEL1 protein (p.Arg235Cys). The arginine residue is highly conserved and there is a large physicochemical difference between arginine and cysteine. This variant is not present in population databases (ExAC no frequency). This variant has not been reported in the literature in individuals affected with RTEL1-related conditions. Algorithms developed to predict the effect of missense changes on protein structure and function are either unavailable or do not agree on the potential impact of this missense change (SIFT: "Deleterious"; PolyPhen-2: "Probably Damaging"; Align-GVGD: "Class C0"). In summary, the available evidence is currently insufficient to determine the role of this variant in disease. Therefore, it has been classified as a Variant of Uncertain Significance.

Natera, Inc.
Classification: Uncertain significance for Dyskeratosis congenita. Last evaluated: 2020-03-11. Review status: no assertion criteria provided. Collection method: clinical testing. Allele origin: germline. Not counted in ClinVar's aggregate classification.